The following continues an entry in ClinVar:

NM_000059.4(BRCA2):c.5704G>A

Gene: BRCA2. ClinVar aggregate classification (germline): Benign. Benign (1).

Submissions 22 to 37 of 37:

Vantari Genetics
Classification: Likely benign for Hereditary cancer-predisposing syndrome. Last evaluated: 2015-12-21. Review status: criteria provided, single submitter. Criteria: ACMG Guidelines, 2015. Collection method: clinical testing. Allele origin: germline. Not counted in ClinVar's aggregate classification.

Clinical Genetics DNA and cytogenetics Diagnostics Lab, Erasmus MC, Erasmus Medical Center
Classification: Likely benign for Breast-ovarian cancer, familial, susceptibility to, 2. Last evaluated: 2015-09-21. Review status: criteria provided, single submitter. Criteria: ACGS Guidelines, 2013. Collection method: clinical testing. Allele origin: germline. Affected: yes. Study: VKGL Data-share Consensus. Not counted in ClinVar's aggregate classification.

Eurofins Ntd Llc (ga)
Classification: Benign. Last evaluated: 2015-05-22. Review status: criteria provided, single submitter. Criteria: EGL Classification Definitions 2015. Collection method: clinical testing. Allele origin: germline. Observed: 6 variant alleles, 6 heterozygotes. Not counted in ClinVar's aggregate classification.

Color Diagnostics, LLC DBA Color Health
Classification: Benign for Hereditary cancer-predisposing syndrome. Last evaluated: 2015-03-10. Review status: criteria provided, single submitter. Criteria: ACMG Guidelines, 2015. Collection method: clinical testing. Allele origin: germline. Not counted in ClinVar's aggregate classification.

Ambry Genetics
Classification: Benign for Hereditary cancer-predisposing syndrome. Last evaluated: 2014-11-19. Review status: criteria provided, single submitter. Criteria: Ambry Variant Classification Scheme 2023. Collection method: clinical testing. Allele origin: germline. Not counted in ClinVar's aggregate classification.

Women's Health and Genetics/Laboratory Corporation of America, LabCorp
Classification: Benign for Hereditary breast ovarian cancer syndrome. Last evaluated: 2014-02-11. Review status: criteria provided, single submitter. Criteria: LabCorp Variant Classification Summary - May 2015. Collection method: clinical testing. Allele origin: germline. Not counted in ClinVar's aggregate classification.

Institute for Biomarker Research, Medical Diagnostic Laboratories, L.L.C.
Classification: Benign for Hereditary breast ovarian cancer syndrome. Last evaluated: 2021-09-27. Review status: no assertion criteria provided. Collection method: clinical testing. Allele origin: germline. Not counted in ClinVar's aggregate classification.

Mayo Clinic Laboratories, Mayo Clinic
Classification: Benign. Last evaluated: 2017-07-24. Review status: no assertion criteria provided. Collection method: clinical testing. Allele origin: unknown. Not counted in ClinVar's aggregate classification.

Counsyl
Classification: Benign for Breast-ovarian cancer, familial 2. Last evaluated: 2014-04-28. Review status: no assertion criteria provided. Collection method: literature only. Allele origin: unknown. Inheritance: Autosomal dominant inheritance. Not counted in ClinVar's aggregate classification.

ITMI
No classification provided. Condition: AllHighlyPenetrant. Last evaluated: 2013-09-19. Review status: no classification provided. Collection method: reference population. Allele origin: germline. Not counted in ClinVar's aggregate classification.
Comment: Please see associated publication for description of ethnicities

Foulkes Cancer Genetics LDI, Lady Davis Institute for Medical Research
Classification: Uncertain significance for Breast and/or ovarian cancer. Last evaluated: 2002-12-04. Review status: no assertion criteria provided. Collection method: clinical testing. Allele origin: germline. Study: The Canadian Open Genetics Repository (COGR). Not counted in ClinVar's aggregate classification.

Breast Cancer Information Core (BIC) (BRCA2)
Classification: Benign for Breast-ovarian cancer, familial 2. Last evaluated: 2002-05-29. Review status: no assertion criteria provided. Collection method: clinical testing. Allele origin: germline. Affected: yes. Observed: 87 variant alleles. Not counted in ClinVar's aggregate classification.

Clinical Genetics Laboratory, Department of Pathology, Netherlands Cancer Institute
Classification: Benign. Review status: no assertion criteria provided. Collection method: clinical testing. Allele origin: germline. Affected: yes. Study: VKGL Data-share Consensus. Not counted in ClinVar's aggregate classification.

Department of Pathology and Laboratory Medicine, Sinai Health System
Classification: Benign for Breast-ovarian cancer, familial, susceptibility to, 2. Review status: no assertion criteria provided. Collection method: clinical testing. Allele origin: unknown. Affected: yes. Observed: 3 variant alleles. Study: The Canadian Open Genetics Repository (COGR). Not counted in ClinVar's aggregate classification.
Comment: The BRCA2 p.Asp1902Asn was identified in 2 of 4284 chromosomes (frequency: 0.0005) from individuals with breast cancer, and was absent in control chromosomes from these studies (Borg 2010, Fackenthal 2005). It is listed in dbSNP (ID#: rs4987048) with a â€šÃ„Ãºglobal minor allele frequency" of 0.004 (1000 Genomes), and in the Exome Variant Server ESP project with a frequency of 0.018 in African American alleles. It is also reported in several populations from the HapMap project, including: HAPMAP-MEX (frequency: 0.031), HAPMAP-LWK (frequency: 0.034), and HapMap-HCB (frequency: 0.038), increasing the likelihood that this is a low frequency benign variant in certain populations of origin. This variant was identified in LOVD, in BIC 87X with no clinical importance, and in UMD 10X as a â€šÃ„Ãºneutralâ€šÃ„Ã¹ variant where it was reported to co-occur with known pathogenic mutations in BRCA1 and BRCA2 (BRCA2 c.994dup (p.Ile332AsnfsX4), BRCA1 c.3607C>T (p.Arg1203X), BRCA1 c.755_761del (p.Arg252LeufsX44)), further increasing the likelihood that this variant is benign. The p.Asp1902 residue is not conserved in mammals and lower organisms, and computational analyses (PolyPhen2, SIFT, AlignGVGD) do not suggest a high likelihood of impact to the protein, although this information is not predictive enough to rule out pathogenicity. In summary, based on the above information, this variant is classified as benign.

Genome Diagnostics Laboratory, University Medical Center Utrecht
Classification: Benign. Review status: no assertion criteria provided. Collection method: clinical testing. Allele origin: germline. Affected: yes. Study: VKGL Data-share Consensus. Not counted in ClinVar's aggregate classification.

Joint Genome Diagnostic Labs from Nijmegen and Maastricht, Radboudumc and MUMC+
Classification: Benign. Review status: no assertion criteria provided. Collection method: clinical testing. Allele origin: germline. Affected: yes. Study: VKGL Data-share Consensus. Not counted in ClinVar's aggregate classification.

Literature cited by the submitters: DOI 10.3389/fgene.2022.834265 (cited by National Health Laboratory Service, Universitas Academic Hospital and University of the Free State); PubMed 36329109 (cited by Genetics Program, Instituto Nacional de Cancer); PubMed 17289875 (cited by 3 submitters); PubMed 15744044 (cited by Illumina Laboratory Services, Illumina and Counsyl); PubMed 24916970 (cited by Illumina Laboratory Services, Illumina); PubMed 22684231 (cited by Illumina Laboratory Services, Illumina); PubMed 20104584 (cited by Illumina Laboratory Services, Illumina and Counsyl); PubMed 10453741 (cited by Women's Health and Genetics/Laboratory Corporation of America, LabCorp); PubMed 16234499 (cited by Women's Health and Genetics/Laboratory Corporation of America, LabCorp and Counsyl); PubMed 10800284 (cited by Women's Health and Genetics/Laboratory Corporation of America, LabCorp); PubMed 22034289 (cited by Women's Health and Genetics/Laboratory Corporation of America, LabCorp); PubMed 18418466 (cited by Counsyl); PubMed 9971877 (cited by Counsyl); PubMed 24728327 (cited by ITMI).